The following is an entry in ClinVar:

ClinVar aggregate classification (germline): Likely pathogenic (1 of 4 stars; one submission).

Submission:

GeneDx
Classification: Likely pathogenic. Last evaluated: 2025-01-21. Review status: criteria provided, single submitter. Criteria: GeneDx Variant Classification Process June 2021. Collection method: clinical testing. Allele origin: germline. Affected: yes.
Comment: Observed heterozygous in an individual with nocturnal focal seizures (PMID: 37152446); Nonsense variant predicted to result in protein truncation or nonsense mediated decay in a gene for which loss of function is a known mechanism of disease; Not observed at significant frequency in large population cohorts (gnomAD); This variant is associated with the following publications: (PMID: 37152446)

NM_001242896.3(DEPDC5):c.998C>G (p.Ser333Ter)

Gene: DEPDC5 (DEP domain containing 5, GATOR1 subcomplex subunit; plus strand). Cytogenetic location: 22q12.3.
Variant type: single nucleotide variant.
Coding change: c.998C>G on transcript NM_001242896.3 (MANE Select); coding-DNA position 998, C replaced by G.
Protein change: p.Ser333Ter; replaces serine 333 with a stop codon.
Molecular consequence: nonsense. On other transcripts: non-coding transcript variant (5).
Genome position (GRCh38, 1-based): chr22:31,802,755, C>G. VCF-style: chr22-31802755-C-G. GRCh37 (hg19) VCF-style: chr22-32198741-C-G.
Other names: c.998C>G, p.Ser333Ter (NM_001007188.4, NM_001136029.4, NM_001242897.2 and 7 more transcripts); c.914C>G, p.Ser305Ter (NM_001369901.1, NM_001369902.1); short protein forms S305*, S333*.
Identifiers: ClinVar variation 4071609 (VCV004071609.1).